The following is an entry in ClinVar:

NM_000069.3(CACNA1S):c.1255C>T (p.Arg419Cys)

Gene: CACNA1S (calcium voltage-gated channel subunit alpha1 S; minus strand). Cytogenetic location: 1q32.1.
Variant type: single nucleotide variant.
Coding change: c.1255C>T on transcript NM_000069.3 (MANE Select); coding-DNA position 1255, C replaced by T.
Protein change: p.Arg419Cys; replaces arginine 419 with cysteine.
Molecular consequence: missense variant.
Genome position (GRCh38, 1-based): chr1:201,083,300, G>A on the plus strand (C>T on the coding strand, the complement: CACNA1S is on the minus strand). VCF-style: chr1-201083300-G-A. GRCh37 (hg19) VCF-style: chr1-201052428-G-A.
Other names: c.1255C>T (NM_000069.2); short protein forms R419C.
Identifiers: ClinVar variation 3760574 (VCV003760574.3).

ClinVar aggregate classification (germline): Uncertain significance. Review status: criteria provided, multiple submitters, no conflicts (2 of 4 stars). 2 submissions from 2 submitters: Uncertain significance (2). Last evaluated 2026-07-02.

Conditions:
Inborn genetic diseases. Identifiers: MedGen C0950123, MeSH D030342.
Hypokalemic periodic paralysis, type 1. Also called: HypoPP; Hypokalemic Periodic Paralysis Type 1 (AD). Identifiers: Orphanet 681, MedGen C3714580, MONDO:0042979, OMIM 170400.
Malignant hyperthermia, susceptibility to, 5 (MHS5). Also called: CACNA1S-Related Malignant Hyperthermia Susceptibility. Identifiers: Orphanet 423, MedGen C1866077, MONDO:0011163, OMIM 601887.

Submissions (2):

Ambry Genetics
Classification: Uncertain significance for Inborn genetic diseases. Last evaluated: 2026-07-02. Review status: criteria provided, single submitter. Criteria: Ambry Variant Classification Scheme 2023. Collection method: clinical testing. Allele origin: germline.
Comment: The p.R419C variant (also known as c.1255C>T), located in coding exon 10 of the CACNA1S gene, results from a C to T substitution at nucleotide position 1255. The arginine at codon 419 is replaced by cysteine, an amino acid with highly dissimilar properties. This amino acid position is conserved. In addition, this alteration is predicted to be deleterious by in silico analysis. Based on the available evidence, the clinical significance of this variant remains unclear.

Labcorp Genetics (formerly Invitae), Labcorp
Classification: Uncertain significance for Hypokalemic periodic paralysis, type 1; Malignant hyperthermia, susceptibility to, 5. Last evaluated: 2025-12-19. Review status: criteria provided, single submitter. Criteria: Invitae Variant Classification Sherloc (09022015). Collection method: clinical testing. Allele origin: germline.
Comment: This sequence change replaces arginine, which is basic and polar, with cysteine, which is neutral and slightly polar, at codon 419 of the CACNA1S protein (p.Arg419Cys). This variant is not present in population databases (gnomAD no frequency). This variant has not been reported in the literature in individuals affected with CACNA1S-related conditions. ClinVar contains an entry for this variant (Variation ID: 3760574). Invitae Evidence Modeling of protein sequence and biophysical properties (such as structural, functional, and spatial information, amino acid conservation, physicochemical variation, residue mobility, and thermodynamic stability) has been performed for this missense variant. However, the output from this modeling did not meet the statistical confidence thresholds required to predict the impact of this variant on CACNA1S protein function. In summary, the available evidence is currently insufficient to determine the role of this variant in disease. Therefore, it has been classified as a Variant of Uncertain Significance.